The following is an entry in ClinVar:

ClinVar aggregate classification (germline): Likely benign (1 of 4 stars; one submission).

Conditions:
MYT1L-related disorder. Also called: MYT1L-related condition.

gnomAD v4.1: 36 of 1,571,860 alleles (0.0023%); highest among the groups gnomAD compares: East Asian, 0.014%; no homozygotes.

Submission:

PreventionGenetics, part of Exact Sciences
Classification: Likely benign for MYT1L-related condition. Last evaluated: 2026-02-06. Review status: criteria provided, single submitter. Criteria: ACMG Guidelines, 2015. Collection method: clinical testing. Allele origin: germline.
Comment: This variant is classified as likely benign based on ACMG/AMP sequence variant interpretation guidelines (Richards et al. 2015 PMID: 25741868, with internal and published modifications).

NM_001303052.2(MYT1L):c.190C>G (p.Gln64Glu)

Gene: MYT1L (myelin transcription factor 1 like; minus strand). Cytogenetic location: 2p25.3.
Variant type: single nucleotide variant.
Coding change: c.190C>G on transcript NM_001303052.2 (MANE Select); coding-DNA position 190, C replaced by G.
Protein change: p.Gln64Glu; replaces glutamine 64 with glutamic acid.
Molecular consequence: missense variant.
Genome position (GRCh38, 1-based): chr2:1,943,297, G>C on the plus strand (C>G on the coding strand, the complement: MYT1L is on the minus strand). VCF-style: chr2-1943297-G-C. GRCh37 (hg19) VCF-style: chr2-1947069-G-C.
Other names: c.190C>G, p.Gln64Glu (NM_001329844.2, NM_001329845.1, NM_001329846.3 and 6 more transcripts); short protein forms Q64E.
Identifiers: ClinVar variation 4981892 (VCV004981892.1).